The following is an entry in ClinVar:

ClinVar aggregate classification (germline): Uncertain significance (1 of 4 stars; one submission).

Allele frequency attached by ClinVar (database versions not stated): gnomAD exomes below 0.00001.
gnomAD v4.1: 1 of 1,614,218 alleles (0.000062%); highest among the groups gnomAD compares: Non-Finnish European, 0.000085%; no homozygotes.

Submission:

Labcorp Genetics (formerly Invitae), Labcorp
Classification: Uncertain significance. Last evaluated: 2022-02-28. Review status: criteria provided, single submitter. Criteria: Invitae Variant Classification Sherloc (09022015). Collection method: clinical testing. Allele origin: germline.
Comment: This sequence change replaces lysine, which is basic and polar, with arginine, which is basic and polar, at codon 274 of the ASAH1 protein (p.Lys274Arg). This variant is present in population databases (no rsID available, gnomAD 0.0009%). This variant has not been reported in the literature in individuals affected with ASAH1-related conditions. Algorithms developed to predict the effect of missense changes on protein structure and function (SIFT, PolyPhen-2, Align-GVGD) all suggest that this variant is likely to be tolerated. In summary, the available evidence is currently insufficient to determine the role of this variant in disease. Therefore, it has been classified as a Variant of Uncertain Significance.

NM_177924.5(ASAH1):c.821A>G (p.Lys274Arg)

Gene: ASAH1 (N-acylsphingosine amidohydrolase 1; minus strand). Cytogenetic location: 8p22.
Variant type: single nucleotide variant.
Coding change: c.821A>G on transcript NM_177924.5 (MANE Select); coding-DNA position 821, A replaced by G.
Protein change: p.Lys274Arg; replaces lysine 274 with arginine.
Molecular consequence: missense variant.
Genome position (GRCh38, 1-based): chr8:18,059,668, T>C on the plus strand (A>G on the coding strand, the complement: ASAH1 is on the minus strand). VCF-style: chr8-18059668-T-C. GRCh37 (hg19) VCF-style: chr8-17917177-T-C.
Other names: c.803A>G, p.Lys268Arg (NM_001127505.3); c.626A>G, p.Lys209Arg (NM_001363743.2); c.869A>G, p.Lys290Arg (NM_004315.6); short protein forms K274R, K209R, K268R, K290R.
Identifiers: ClinVar variation 1985800 (VCV001985800.1), dbSNP rs1456205422, ClinGen allele CA370428265.